The following is an entry in ClinVar:

NM_001164277.2(SLC37A4):c.489C>G (p.Tyr163Ter)

Gene: SLC37A4 (solute carrier family 37 member 4; minus strand). Cytogenetic location: 11q23.3.
Variant type: single nucleotide variant.
Coding change: c.489C>G on transcript NM_001164277.2 (MANE Select); coding-DNA position 489, C replaced by G.
Protein change: p.Tyr163Ter; replaces tyrosine 163 with a stop codon.
Molecular consequence: nonsense.
Genome position (GRCh38, 1-based): chr11:119,027,765, G>C on the plus strand (C>G on the coding strand, the complement: SLC37A4 is on the minus strand). VCF-style: chr11-119027765-G-C. GRCh37 (hg19) VCF-style: chr11-118898475-G-C.
Other names: c.489C>G, p.Tyr163Ter (NM_001164278.2, NM_001164280.2, NM_001467.6); c.270C>G, p.Tyr90Ter (NM_001164279.2); short protein forms Y163*, Y90*.
Identifiers: ClinVar variation 4814674 (VCV004814674.1).

ClinVar aggregate classification (germline): Likely pathogenic (1 of 4 stars; one submission).

Conditions:
Glucose-6-phosphate transport defect (GSD1B). Also called: Glycogen Storage Disease Type Ib; GSD Ib. Identifiers: Orphanet 364, Orphanet 79259, MedGen C0268146, MONDO:0009288, OMIM 232220.

Submission:

Natera, Inc.
Classification: Likely pathogenic for Glycogen storage disease type Ib. Last evaluated: 2024-12-31. Review status: criteria provided, single submitter. Criteria: Natera Variant Classification Schema (03/2026). Collection method: clinical testing. Allele origin: germline.
Comment: The c.489C>G variant in SLC37A4 is a nonsense variant predicted to introduce a stop codon at amino acid 163. This variant is expected to result in nonsense mediated decay, truncation, or a dysfunctional protein product. This variant is rare in the general population with a frequency below the threshold expected for the associated phenotype(s). Given the available evidence, this variant is classified as Likely Pathogenic.